The following is an entry in ClinVar:

ClinVar aggregate classification (germline): Uncertain significance (1 of 4 stars; one submission).

gnomAD v4.1: 4 of 1,558,564 alleles (0.00026%); highest among the groups gnomAD compares: Admixed American, 0.0039%; no homozygotes.

Submission:

Labcorp Genetics (formerly Invitae), Labcorp
Classification: Uncertain significance. Last evaluated: 2025-10-13. Review status: criteria provided, single submitter. Criteria: Invitae Variant Classification Sherloc (09022015). Collection method: clinical testing. Allele origin: germline.
Comment: This sequence change replaces tyrosine, which is neutral and polar, with cysteine, which is neutral and slightly polar, at codon 8 of the TOP3A protein (p.Tyr8Cys). This variant is not present in population databases (gnomAD no frequency). This variant has not been reported in the literature in individuals affected with TOP3A-related conditions. ClinVar contains an entry for this variant (Variation ID: 2002773). An algorithm developed to predict the effect of missense changes on protein structure and function outputs the following: PolyPhen-2: "Benign". The cysteine amino acid residue is found in multiple mammalian species, which suggests that this missense change does not adversely affect protein function. In summary, the available evidence is currently insufficient to determine the role of this variant in disease. Therefore, it has been classified as a Variant of Uncertain Significance.

NM_004618.5(TOP3A):c.23A>G (p.Tyr8Cys)

Genes: TOP3A (DNA topoisomerase III alpha; minus strand), LOC130060427 (ATAC-STARR-seq lymphoblastoid active region 11836; plus strand). Cytogenetic location: 17p11.2.
Variant type: single nucleotide variant.
Coding change: c.23A>G on transcript NM_004618.5 (MANE Select); coding-DNA position 23, A replaced by G.
Protein change: p.Tyr8Cys; replaces tyrosine 8 with cysteine.
Molecular consequence: missense variant. On other transcripts: 5 prime UTR variant (1).
Genome position (GRCh38, 1-based): chr17:18,314,756, T>C on the plus strand (A>G on the coding strand, the complement: TOP3A is on the minus strand). VCF-style: chr17-18314756-T-C. GRCh37 (hg19) VCF-style: chr17-18218070-T-C.
Other names: c.-189A>G (NM_001320759.2); short protein forms Y8C.
Identifiers: ClinVar variation 2002773 (VCV002002773.4), dbSNP rs2545637942, ClinGen allele CA398644165.